The following is an entry in ClinVar:

NM_020366.4(RPGRIP1):c.853_854insGCCGAGTGCCTGCAATTGCAGGCGCGCGCCGCCACGCCTGACTGGTTTTCGTATTTTTTTGGTGNNNNNNNNNNAAAAAAAAAAAAAAAAAAAAAAGAAGCTCTTACATG (p.Glu285delinsGlyArgValProAlaIleAlaGlyAlaArgArgHisAlaTer)

Gene: RPGRIP1 (RPGR interacting protein 1; plus strand). Cytogenetic location: 14q11.2.
Variant type: Microsatellite.
Coding change: c.853_854insGCCGAGTGCCTGCAATTGCAGGCGCGCGCCGCCACGCCTGACTGGTTTTCGTATTTTTTTGGTGNNNNNNNNNNAAAAAAAAAAAAAAAAAAAAAAGAAGCTCTTACATG on transcript NM_020366.4 (MANE Select); coding-DNA positions 853 to 854, GCCGAGTGCCTGCAATTGCAGGCGCGCGCCGCCACGCCTGACTGGTTTTCGTATTTTTTTGGTGNNNNNNNNNNAAAAAAAAAAAAAAAAAAAAAAGAAGCTCTTACATG inserted.
Protein change: p.Glu285delinsGlyArgValProAlaIleAlaGlyAlaArgArgHisAlaTer.
Molecular consequence: nonsense.
Genome position: GRCh38: chr14:21,307,768-21,307,783. GRCh37 (hg19), VCF-style position (the base before the change): chr14:21,775,926.
Identifiers: ClinVar variation 2954456 (VCV002954456.3).

ClinVar aggregate classification (germline): Pathogenic (1 of 4 stars; one submission).

Conditions:
Cone-rod dystrophy 13 (CORD13). Identifiers: Orphanet 1872, MedGen C2750720, MONDO:0011987, OMIM 608194.
Leber congenital amaurosis 6 (LCA6). Identifiers: Orphanet 65, MedGen C1854260, MONDO:0013446, OMIM 613826.

Submission:

Labcorp Genetics (formerly Invitae), Labcorp
Classification: Pathogenic for Leber congenital amaurosis 6; Cone-rod dystrophy 13. Last evaluated: 2023-12-05. Review status: criteria provided, single submitter. Criteria: Invitae Variant Classification Sherloc (09022015). Collection method: clinical testing. Allele origin: germline.
Comment: This sequence change inserts a large fragment of DNA, likely a transposable element, in exon 6 of the RPGRIP1 gene (c.853_854ins?), causing a frameshift at codon 285 (p.Glu285fs). The exact size and sequence of the insertion cannot be determined by the current assay. However, the insertion is expected to result in an absent or disrupted protein product. This variant is not present in population databases (gnomAD no frequency). This variant has not been reported in the literature in individuals affected with RPGRIP1-related conditions. Retrotransposon insertions including LINE1 (L1), Alu, and SVA (SINE-VNTR-Alu) have been reported to be disease-causing through disruption of either a coding region or splice site (PMID: 19763152, 20307669, 22406018) and loss-of-function variants in RPGRIP1 are known to be pathogenic (PMID: 11528500, 23105016). For these reasons, this variant has been classified as Pathogenic.

Literature cited by the submitters: PubMed 19763152; PubMed 20307669; PubMed 22406018; PubMed 11528500; PubMed 23105016.